The following is an entry in ClinVar:

ClinVar aggregate classification (germline): Pathogenic (1 of 4 stars; one submission).

Submission:

GeneDx
Classification: Pathogenic. Last evaluated: 2026-02-11. Review status: criteria provided, single submitter. Criteria: GeneDx Variant Classification Process June 2021. Collection method: clinical testing. Allele origin: germline.
Comment: This substitution is predicted to be within the C-terminal cytoplasmic domain; Not observed at significant frequency in large population cohorts (gnomAD); In silico analysis supports that this missense variant has a deleterious effect on protein structure/function; Has not been previously published as pathogenic or benign to our knowledge

NM_001165963.4(SCN1A):c.5590T>C (p.Cys1864Arg)

Genes: SCN1A (sodium voltage-gated channel alpha subunit 1; minus strand), LOC102724058 (uncharacterized LOC102724058; plus strand). Cytogenetic location: 2q24.3.
Variant type: single nucleotide variant.
Coding change: c.5590T>C on transcript NM_001165963.4 (MANE Select); coding-DNA position 5590, T replaced by C.
Protein change: p.Cys1864Arg; replaces cysteine 1864 with arginine.
Molecular consequence: missense variant. On other transcripts: non-coding transcript variant (1).
Genome position (GRCh38, 1-based): chr2:165,991,685, A>G on the plus strand (T>C on the coding strand, the complement: SCN1A is on the minus strand). VCF-style: chr2-165991685-A-G. GRCh37 (hg19) VCF-style: chr2-166848195-A-G.
Other names: c.5506T>C, p.Cys1836Arg (NM_001165964.3, NM_001353957.2, NM_001353958.2); c.5590T>C, p.Cys1864Arg (NM_001202435.3, NM_001353948.2); c.5557T>C, p.Cys1853Arg (NM_001353949.2, NM_001353950.2, NM_001353951.2 and 2 more transcripts); c.5554T>C, p.Cys1852Arg (NM_001353954.2, NM_001353955.2); c.5503T>C, p.Cys1835Arg (NM_001353960.2); c.3148T>C, p.Cys1050Arg (NM_001353961.2); short protein forms C1050R, C1835R, C1836R, C1852R, C1853R, C1864R.
Identifiers: ClinVar variation 4887908 (VCV004887908.1).